The following is an entry in ClinVar:

ClinVar aggregate classification (germline): Uncertain significance (1 of 4 stars; one submission).

Allele frequency attached by ClinVar (database versions not stated): gnomAD exomes below 0.00001.
gnomAD v4.1: 4 of 1,614,216 alleles (0.00025%); highest among the groups gnomAD compares: African/African-American, 0.0013%; no homozygotes.

Submission:

Labcorp Genetics (formerly Invitae), Labcorp
Classification: Uncertain significance. Last evaluated: 2023-12-12. Review status: criteria provided, single submitter. Criteria: Invitae Variant Classification Sherloc (09022015). Collection method: clinical testing. Allele origin: germline.
Comment: This sequence change replaces glutamine, which is neutral and polar, with histidine, which is basic and polar, at codon 279 of the PPP2R5D protein (p.Gln279His). This variant is not present in population databases (gnomAD no frequency). This variant has not been reported in the literature in individuals affected with PPP2R5D-related conditions. An algorithm developed to predict the effect of missense changes on protein structure and function (PolyPhen-2) suggests that this variant is likely to be tolerated. In summary, the available evidence is currently insufficient to determine the role of this variant in disease. Therefore, it has been classified as a Variant of Uncertain Significance.

NM_006245.4(PPP2R5D):c.837G>T (p.Gln279His)

Gene: PPP2R5D (protein phosphatase 2 regulatory subunit B'delta; plus strand). Cytogenetic location: 6p21.1.
Variant type: single nucleotide variant.
Coding change: c.837G>T on transcript NM_006245.4 (MANE Select); coding-DNA position 837, G replaced by T.
Protein change: p.Gln279His; replaces glutamine 279 with histidine.
Molecular consequence: missense variant.
Genome position (GRCh38, 1-based): chr6:43,008,045, G>T. VCF-style: chr6-43008045-G-T. GRCh37 (hg19) VCF-style: chr6-42975783-G-T.
Other names: c.384G>T, p.Gln128His (NM_001270476.2); c.741G>T, p.Gln247His (NM_180976.3); c.519G>T, p.Gln173His (NM_180977.3); short protein forms Q128H, Q279H, Q173H, Q247H.
Identifiers: ClinVar variation 2771609 (VCV002771609.3), dbSNP rs2150279868, ClinGen allele CA364190103.
Genomic context (GRCh38, chr6:43,008,045, plus strand): 5'-GACCATTTTGCATCGCATCTATGGCAAGTTTTTGGGGCTCCGGGCTTATATCCGTAGGCA[G>T]ATCAACCACATCTTCTACAGGTGAGGCCAGGAGCCCAGGCTTAGGAGCAAAACCTTCTGC-3'
Protein context (NP_006236.1, residues 269-289): FLGLRAYIRR[Gln279His]INHIFYRFIY